The following is an entry in ClinVar:

NM_001042492.3(NF1):c.7924T>C (p.Tyr2642His)

Gene: NF1 (neurofibromin 1; plus strand). Cytogenetic location: 17q11.2.
Variant type: single nucleotide variant.
Coding change: c.7924T>C on transcript NM_001042492.3 (MANE Select); coding-DNA position 7924, T replaced by C.
Protein change: p.Tyr2642His; replaces tyrosine 2642 with histidine.
Molecular consequence: missense variant.
Genome position (GRCh38, 1-based): chr17:31,357,323, T>C. VCF-style: chr17-31357323-T-C. GRCh37 (hg19) VCF-style: chr17-29684341-T-C.
Other names: c.7861T>C, p.Tyr2621His (NM_000267.4); short protein forms Y2621H, Y2642H.
Identifiers: ClinVar variation 4800808 (VCV004800808.1).
Genomic context (GRCh38, chr17:31,357,323, plus strand): 5'-TGGCAGGCTACACTGGTAAAATATACCACAGATGAGTTTGATCAACGAATTCTTTATGAA[T>C]ACTTAGCAGAGGCCAGTGTTGTGTTTCCCAAAGTCTTTCCTGTTGTGTAAGTATCTCCTT-3'
Protein context (NP_001035957.1, residues 2632-2652): DEFDQRILYE[Tyr2642His]LAEASVVFPK

ClinVar aggregate classification (germline): Uncertain significance (1 of 4 stars; one submission).

Conditions:
Neurofibromatosis, type 1 (NF1). Also called: VON RECKLINGHAUSEN DISEASE; Neurofibromatosis, type I; NEUROFIBROMATOSIS, TYPE I, SOMATIC; Peripheral type neurofibromatosis. Identifiers: Orphanet 636, MedGen C0027831, MONDO:0018975, OMIM 162200. Disease mechanism: loss of function.

Submission:

Labcorp Genetics (formerly Invitae), Labcorp
Classification: Uncertain significance for Neurofibromatosis, type 1. Last evaluated: 2025-02-23. Review status: criteria provided, single submitter. Criteria: Invitae Variant Classification Sherloc (09022015). Collection method: clinical testing. Allele origin: germline.
Comment: This sequence change replaces tyrosine, which is neutral and polar, with histidine, which is basic and polar, at codon 2621 of the NF1 protein (p.Tyr2621His). This variant is not present in population databases (gnomAD no frequency). This variant has not been reported in the literature in individuals affected with NF1-related conditions. Invitae Evidence Modeling of protein sequence and biophysical properties (such as structural, functional, and spatial information, amino acid conservation, physicochemical variation, residue mobility, and thermodynamic stability) indicates that this missense variant is expected to disrupt NF1 protein function with a positive predictive value of 95%. In summary, the available evidence is currently insufficient to determine the role of this variant in disease. Therefore, it has been classified as a Variant of Uncertain Significance.